The following is an entry in ClinVar:

ClinVar aggregate classification (germline): Uncertain significance (1 of 4 stars; one submission).

Allele frequency attached by ClinVar (database versions not stated): gnomAD exomes 0.00001.

Submission:

Labcorp Genetics (formerly Invitae), Labcorp
Classification: Uncertain significance. Last evaluated: 2023-01-29. Review status: criteria provided, single submitter. Criteria: Invitae Variant Classification Sherloc (09022015). Collection method: clinical testing. Allele origin: germline.
Comment: In summary, the available evidence is currently insufficient to determine the role of this variant in disease. Therefore, it has been classified as a Variant of Uncertain Significance. Algorithms developed to predict the effect of missense changes on protein structure and function are either unavailable or do not agree on the potential impact of this missense change (SIFT: "Tolerated"; PolyPhen-2: "Not Available"; Align-GVGD: "Class C0"). This variant has not been reported in the literature in individuals affected with COL4A1-related conditions. This variant is not present in population databases (gnomAD no frequency). This sequence change replaces methionine, which is neutral and non-polar, with isoleucine, which is neutral and non-polar, at codon 1641 of the COL4A1 protein (p.Met1641Ile).

NM_001845.6(COL4A1):c.4923G>A (p.Met1641Ile)

Gene: COL4A1 (collagen type IV alpha 1 chain; minus strand). Cytogenetic location: 13q34.
Variant type: single nucleotide variant.
Coding change: c.4923G>A on transcript NM_001845.6 (MANE Select); coding-DNA position 4923, G replaced by A.
Protein change: p.Met1641Ile; replaces methionine 1641 with isoleucine.
Molecular consequence: missense variant.
Genome position (GRCh38, 1-based): chr13:110,152,339, C>T on the plus strand (G>A on the coding strand, the complement: COL4A1 is on the minus strand). VCF-style: chr13-110152339-C-T. GRCh37 (hg19) VCF-style: chr13-110804686-C-T.
Other names: short protein forms M1641I.
Identifiers: ClinVar variation 2728469 (VCV002728469.3), dbSNP rs2501716131, ClinGen allele CA388654033.